The following is an entry in ClinVar:

ClinVar aggregate classification (germline): Uncertain significance. Review status: criteria provided, multiple submitters, no conflicts (2 of 4 stars). 2 submissions from 2 submitters: Uncertain significance (2). Last evaluated 2025-04-09.

Conditions:
Cardiovascular phenotype. Identifiers: MedGen CN230736.

Allele frequency attached by ClinVar (database versions not stated): gnomAD exomes below 0.00001; gnomAD 0.00001; TOPMed 0.00001.

Submissions (2):

Labcorp Genetics (formerly Invitae), Labcorp
Classification: Uncertain significance. Last evaluated: 2025-04-09. Review status: criteria provided, single submitter. Criteria: Invitae Variant Classification Sherloc (09022015). Collection method: clinical testing. Allele origin: germline.
Comment: This sequence change replaces glutamine, which is neutral and polar, with arginine, which is basic and polar, at codon 89 of the ALPK3 protein (p.Gln89Arg). The frequency data for this variant in the population databases is considered unreliable, as metrics indicate poor data quality at this position in the gnomAD database. This variant has not been reported in the literature in individuals affected with ALPK3-related conditions. ClinVar contains an entry for this variant (Variation ID: 2563934). An algorithm developed to predict the effect of missense changes on protein structure and function outputs the following: PolyPhen-2: "Benign". The arginine amino acid residue is found in multiple mammalian species, which suggests that this missense change does not adversely affect protein function. In summary, the available evidence is currently insufficient to determine the role of this variant in disease. Therefore, it has been classified as a Variant of Uncertain Significance.

Ambry Genetics
Classification: Uncertain significance for Cardiovascular phenotype. Last evaluated: 2023-03-31. Review status: criteria provided, single submitter. Criteria: Ambry Variant Classification Scheme 2023. Collection method: clinical testing. Allele origin: germline.
Comment: The p.Q89R variant (also known as c.266A>G), located in coding exon 1 of the ALPK3 gene, results from an A to G substitution at nucleotide position 266. The glutamine at codon 89 is replaced by arginine, an amino acid with highly similar properties. This amino acid position is conserved. In addition, this alteration is predicted to be tolerated by in silico analysis. Since supporting evidence is limited at this time, the clinical significance of this alteration remains unclear.

NC_000015.10:g.84817112A>G

Gene: ALPK3 (alpha kinase 3; plus strand). Cytogenetic location: 15q25.3.
Variant type: single nucleotide variant.
Genome position: GRCh38 VCF-style: chr15-84817112-A-G. GRCh37 (hg19) VCF-style: chr15-85360343-A-G.
Other names: short protein forms Q89R.
Identifiers: ClinVar variation 2563934 (VCV002563934.4), dbSNP rs745309605, ClinGen allele CA7708825.
Genomic context (GRCh38, chr15:84,817,112, plus strand): 5'-AGCAGGCCGGCCGGGAGCCGGGTCCCGGGAGCTCCACGAAGGGGCCTGTCCTCCATGACC[A>G]GGACACCCGCTGCGCCTTCCTCCCGAGGCCTCCCGGGCCTCTCCAGACGCGGCGCTACTG-3'